The following is an entry in ClinVar:

ClinVar aggregate classification (germline): Uncertain significance (1 of 4 stars; one submission).

Conditions:
Epileptic encephalopathy. Identifiers: MedGen C0543888, HP:0200134.

Submission:

Labcorp Genetics (formerly Invitae), Labcorp
Classification: Uncertain significance for Epileptic encephalopathy. Last evaluated: 2020-09-07. Review status: criteria provided, single submitter. Criteria: Invitae Variant Classification Sherloc (09022015). Collection method: clinical testing. Allele origin: germline.
Comment: This sequence change replaces glutamic acid with aspartic acid at codon 676 of the RYR3 protein (p.Glu676Asp). The glutamic acid residue is highly conserved and there is a small physicochemical difference between glutamic acid and aspartic acid. This variant is not present in population databases (ExAC no frequency). This variant has not been reported in the literature in individuals with RYR3-related conditions. Algorithms developed to predict the effect of missense changes on protein structure and function (SIFT, PolyPhen-2, Align-GVGD) all suggest that this variant is likely to be disruptive, but these predictions have not been confirmed by published functional studies and their clinical significance is uncertain. In summary, the available evidence is currently insufficient to determine the role of this variant in disease. Therefore, it has been classified as a Variant of Uncertain Significance.

NM_001036.6(RYR3):c.2028G>T (p.Glu676Asp)

Gene: RYR3 (ryanodine receptor 3; plus strand). Cytogenetic location: 15q14.
Variant type: single nucleotide variant.
Coding change: c.2028G>T on transcript NM_001036.6 (MANE Select); coding-DNA position 2028, G replaced by T.
Protein change: p.Glu676Asp; replaces glutamic acid 676 with aspartic acid.
Molecular consequence: missense variant.
Genome position (GRCh38, 1-based): chr15:33,603,228, G>T. VCF-style: chr15-33603228-G-T. GRCh37 (hg19) VCF-style: chr15-33895429-G-T.
Other names: c.2028G>T, p.Glu676Asp (NM_001243996.4); short protein forms E676D.
Identifiers: ClinVar variation 1016373 (VCV001016373.8), dbSNP rs2059758473, ClinGen allele CA391562928.